The following is an entry in ClinVar:

NM_015338.6(ASXL1):c.1217G>C (p.Gly406Ala)

Gene: ASXL1 (ASXL transcriptional regulator 1; plus strand). Cytogenetic location: 20q11.21.
Variant type: single nucleotide variant.
Coding change: c.1217G>C on transcript NM_015338.6 (MANE Select); coding-DNA position 1217, G replaced by C.
Protein change: p.Gly406Ala; replaces glycine 406 with alanine.
Molecular consequence: missense variant.
Genome position (GRCh38, 1-based): chr20:32,433,415, G>C. VCF-style: chr20-32433415-G-C. GRCh37 (hg19) VCF-style: chr20-31021218-G-C.
Other names: c.1034G>C, p.Gly345Ala (NM_001363734.1); short protein forms G406A, G345A.
Identifiers: ClinVar variation 5029737 (VCV005029737.1).

ClinVar aggregate classification (germline): Uncertain significance (1 of 4 stars; one submission).

Conditions:
Inborn genetic diseases. Identifiers: MedGen C0950123, MeSH D030342.

Submission:

Ambry Genetics
Classification: Uncertain significance for Inborn genetic diseases. Last evaluated: 2026-06-22. Review status: criteria provided, single submitter. Criteria: Ambry Variant Classification Scheme 2023. Collection method: clinical testing. Allele origin: germline.
Comment: The p.G406A variant (also known as c.1217G>C), located in coding exon 12 of the ASXL1 gene, results from a G to C substitution at nucleotide position 1217. The glycine at codon 406 is replaced by alanine, an amino acid with similar properties. This amino acid position is conserved. In addition, this alteration is predicted to be tolerated by in silico analysis. Based on the available evidence, the clinical significance of this variant remains unclear.